The following is an entry in ClinVar:

NM_002529.4(NTRK1):c.2128G>A (p.Val710Met)

Gene: NTRK1 (neurotrophic receptor tyrosine kinase 1; plus strand). Cytogenetic location: 1q23.1.
Variant type: single nucleotide variant.
Coding change: c.2128G>A on transcript NM_002529.4 (MANE Select); coding-DNA position 2128, G replaced by A.
Protein change: p.Val710Met; replaces valine 710 with methionine.
Molecular consequence: missense variant.
Genome position (GRCh38, 1-based): chr1:156,880,080, G>A. VCF-style: chr1-156880080-G-A. GRCh37 (hg19) VCF-style: chr1-156849872-G-A.
Other names: c.2128G>A, p.Val710Met (NM_001007204.1); c.2020G>A, p.Val674Met (NM_001007792.1); c.2110G>A, p.Val704Met (NM_001012331.2); short protein forms V704M, V710M, V674M.
Identifiers: ClinVar variation 2142797 (VCV002142797.1), dbSNP rs370593942, ClinGen allele CA1169574.

ClinVar aggregate classification (germline): Uncertain significance (1 of 4 stars; one submission).

Conditions:
Hereditary insensitivity to pain with anhidrosis (CIPA). Also called: hereditary sensory and autonomic neuropathy type 4; NEUROPATHY, CONGENITAL SENSORY, WITH ANHIDROSIS; NTRK1 Congenital Insensitivity to Pain with Anhidrosis; INSENSITIVITY TO PAIN, CONGENITAL, WITH ANHIDROSIS; HSAN Type IV; FAMILIAL DYSAUTONOMIA, TYPE II. Identifiers: Orphanet 642, MedGen C0020074, MONDO:0009746, OMIM 256800.

Allele frequency attached by ClinVar (database versions not stated): gnomAD 0.00001; TOPMed 0.00001; ExAC 0.00002; gnomAD exomes 0.00002; ESP Exome Variant Server 0.00008.
gnomAD v4.1: 35 of 1,613,594 alleles (0.0022%); highest among the groups gnomAD compares: South Asian, 0.0044%; no homozygotes.

Submission:

Labcorp Genetics (formerly Invitae), Labcorp
Classification: Uncertain significance for Hereditary insensitivity to pain with anhidrosis. Last evaluated: 2021-01-16. Review status: criteria provided, single submitter. Criteria: Invitae Variant Classification Sherloc (09022015). Collection method: clinical testing. Allele origin: germline.
Comment: This sequence change replaces valine with methionine at codon 704 of the NTRK1 protein (p.Val704Met). The valine residue is moderately conserved and there is a small physicochemical difference between valine and methionine. This variant is present in population databases (rs370593942, ExAC 0.01%). This variant has not been reported in the literature in individuals with NTRK1-related disease. Algorithms developed to predict the effect of missense changes on protein structure and function are either unavailable or do not agree on the potential impact of this missense change (SIFT: "Deleterious"; PolyPhen-2: "Probably Damaging"; Align-GVGD: "Class C0"). In summary, the available evidence is currently insufficient to determine the role of this variant in disease. Therefore, it has been classified as a Variant of Uncertain Significance.